The following is an entry in ClinVar:

NM_014248.4(RBX1):c.228+1G>T

Gene: RBX1 (ring-box 1; plus strand). Cytogenetic location: 22q13.2.
Variant type: single nucleotide variant.
Coding change: c.228+1G>T on transcript NM_014248.4 (MANE Select); the canonical splice donor site of the intron after coding-DNA position 228, G replaced by T.
Molecular consequence: splice donor variant.
Genome position (GRCh38, 1-based): chr22:40,964,118, G>T. VCF-style: chr22-40964118-G-T. GRCh37 (hg19) VCF-style: chr22-41360122-G-T.
Identifiers: ClinVar variation 2637844 (VCV002637844.1), dbSNP rs2518024290, ClinGen allele CA411977171.

ClinVar aggregate classification (germline): Uncertain significance (1 of 4 stars; one submission).

Submission:

Women's Health and Genetics/Laboratory Corporation of America, LabCorp
Classification: Uncertain significance. Last evaluated: 2023-10-20. Review status: criteria provided, single submitter. Criteria: LabCorp Variant Classification Summary - May 2015. Collection method: clinical testing. Allele origin: germline.
Comment: Variant summary: RBX1 c.228+1G>T is located in a canonical splice-site and is predicted to affect mRNA splicing resulting in a significantly altered protein due to either exon skipping, shortening, or inclusion of intronic material. Several computational tools predict a significant impact on normal splicing: Three predict the variant abolishes a 5' splicing donor site. However, these predictions have yet to be confirmed by functional studies. The molecular mechanism of disease for RBX1 is unknown at this time. The variant was absent in 251378 control chromosomes. The available data on variant occurrences in the general population are insufficient to allow any conclusion about variant significance. This report does not provide unequivocal conclusions about association of the variant with RBX1-Related Disorders. To our knowledge, no experimental evidence demonstrating an impact on protein function has been reported. No submitters have cited clinical-significance assessments for this variant to ClinVar after 2014. Based on the evidence outlined above, the variant was classified as uncertain significance.